The following is an entry in ClinVar:

ClinVar aggregate classification (germline): Likely benign. Review status: criteria provided, multiple submitters, no conflicts (2 of 4 stars). 4 submissions from 4 submitters: Likely benign (2). 2 of the submissions do not count toward it. Last evaluated 2018-07-15.

Conditions:
Tuberous sclerosis syndrome (TSC). Also called: Tuberous Sclerosis Complex; Tuberous sclerosis. Identifiers: Orphanet 805, MedGen C0041341, MONDO:0001734.
TSC2-related disorder. Also called: TSC2-Related Disorders; TSC2-related condition.

Allele frequency attached by ClinVar (database versions not stated): gnomAD 0.00037 and 0.00080; TOPMed 0.00050; ESP Exome Variant Server 0.00062; gnomAD exomes 0.00157; ExAC 0.00174; 1000 Genomes Project 0.00399; 1000 Genomes Project 30x 0.00406.
gnomAD v4.1: 1,332 of 1,595,878 alleles (0.083%); highest among the groups gnomAD compares: South Asian, 0.99%; 18 homozygotes.

Submissions (4):

GeneDx
Classification: Likely benign. Last evaluated: 2018-07-15. Review status: criteria provided, single submitter. Criteria: GeneDx Variant Classification Process June 2021. Collection method: clinical testing. Allele origin: germline. Affected: yes.

Breakthrough Genomics
Classification: Likely benign. Review status: criteria provided, single submitter. Criteria: ACMG Guidelines, 2015. Collection method: not provided. Allele origin: germline. Inheritance: Autosomal dominant inheritance. Affected: yes.

PreventionGenetics, part of Exact Sciences
Classification: Benign for TSC2-related condition. Last evaluated: 2019-02-21. Review status: no assertion criteria provided. Collection method: clinical testing. Allele origin: germline. Not counted in ClinVar's aggregate classification.
Comment: This variant is classified as benign based on ACMG/AMP sequence variant interpretation guidelines (Richards et al. 2015 PMID: 25741868, with internal and published modifications).

Tuberous sclerosis database (TSC2)
No classification provided. Condition: TSC. Review status: no classification provided. Criteria: Tuberous Sclerosis Database Assertion Criteria 2015. Collection method: curation. Allele origin: germline. Affected: yes. Not counted in ClinVar's aggregate classification.

NM_000548.5(TSC2):c.482-27C>T

Gene: TSC2 (TSC complex subunit 2; plus strand). Cytogenetic location: 16p13.3.
Variant type: single nucleotide variant.
Coding change: c.482-27C>T on transcript NM_000548.5 (MANE Select); 27 bases into the intron before coding-DNA position 482, C replaced by T.
Molecular consequence: intron variant.
Genome position (GRCh38, 1-based): chr16:2,055,375, C>T. VCF-style: chr16-2055375-C-T. GRCh37 (hg19) VCF-style: chr16-2105376-C-T.
Other names: c.482-27C>T (NM_001114382.3, NM_021055.3, NM_001370405.1 and 4 more transcripts); c.371-27C>T (NM_001318827.2); c.-1-821C>T (NM_001318831.2); c.335-27C>T (NM_001318829.2); c.515-27C>T (NM_001318832.2).
Identifiers: ClinVar variation 65374 (VCV000065374.7), dbSNP rs200473689, ClinGen allele CA021032.